The following is an entry in ClinVar:

ClinVar aggregate classification (germline): Likely benign. Review status: criteria provided, multiple submitters, no conflicts (2 of 4 stars). 3 submissions from 3 submitters: Likely benign (2). 1 of the submissions does not count toward it. Last evaluated 2018-10-09.

Conditions:
BIRC6-related disorder. Also called: BIRC6-related condition.

Allele frequency attached by ClinVar (database versions not stated): 1000 Genomes Project 0.00020; 1000 Genomes Project 30x 0.00031; gnomAD 0.00043 and 0.00050; gnomAD exomes 0.00061; ESP Exome Variant Server 0.00062; ExAC 0.00064; TOPMed 0.00074.
gnomAD v4.1: 1,136 of 1,578,214 alleles (0.072%); highest among the groups gnomAD compares: Middle Eastern, 0.14%; 1 homozygote.

Submissions (3):

Labcorp Genetics (formerly Invitae), Labcorp
Classification: Likely benign. Last evaluated: 2018-10-09. Review status: criteria provided, single submitter. Criteria: Invitae Variant Classification Sherloc (09022015). Collection method: clinical testing. Allele origin: germline.

Breakthrough Genomics
Classification: Likely benign. Review status: criteria provided, single submitter. Criteria: ACMG Guidelines, 2015. Collection method: not provided. Allele origin: germline. Inheritance: Unknown mechanism. Affected: yes.

PreventionGenetics, part of Exact Sciences
Classification: Likely benign for BIRC6-related condition. Last evaluated: 2019-06-06. Review status: no assertion criteria provided. Collection method: clinical testing. Allele origin: germline. Not counted in ClinVar's aggregate classification.
Comment: This variant is classified as likely benign based on ACMG/AMP sequence variant interpretation guidelines (Richards et al. 2015 PMID: 25741868, with internal and published modifications).

NM_016252.4(BIRC6):c.7409-6T>C

Gene: BIRC6 (baculoviral IAP repeat containing 6; plus strand). Cytogenetic location: 2p22.3.
Variant type: single nucleotide variant.
Coding change: c.7409-6T>C on transcript NM_016252.4 (MANE Select); 6 bases into the intron before coding-DNA position 7409, T replaced by C.
Molecular consequence: intron variant.
Genome position (GRCh38, 1-based): chr2:32,481,314, T>C. VCF-style: chr2-32481314-T-C. GRCh37 (hg19) VCF-style: chr2-32706382-T-C.
Other names: c.7406-6T>C (NM_001378125.1).
Identifiers: ClinVar variation 719641 (VCV000719641.6), dbSNP rs372681614, ClinGen allele CA1604072.